The following is an entry in ClinVar:

ClinVar aggregate classification (germline): Uncertain significance (1 of 4 stars; one submission).

Conditions:
Parathyroid carcinoma (PRTC). Also called: Parathyroid gland carcinoma; CDC73-Related Parathyroid Carcinoma. Identifiers: Orphanet 143, MedGen C0687150, MONDO:0012004, OMIM 608266, HP:0006780.

Submission:

Labcorp Genetics (formerly Invitae), Labcorp
Classification: Uncertain significance for Parathyroid carcinoma. Last evaluated: 2019-11-06. Review status: criteria provided, single submitter. Criteria: Invitae Variant Classification Sherloc (09022015). Collection method: clinical testing. Allele origin: germline.
Comment: In summary, the available evidence is currently insufficient to determine the role of this variant in disease. Therefore, it has been classified as a Variant of Uncertain Significance. Experimental studies and prediction algorithms are not available or were not evaluated, and the functional significance of this variant is currently unknown. This variant has not been reported in the literature in individuals with CDC73-related conditions. This variant is an in-frame deletion of the genomic region encompassing exons 8-10 of the CDC73 gene. It preserves the integrity of the reading frame.

NC_000001.11:g.(?_193147857)_(193152454_?)del

Gene: CDC73 (cell division cycle 73; plus strand). Cytogenetic location: 1q31.2.
Variant type: Deletion.
Identifiers: ClinVar variation 833428 (VCV000833428.4).